The following is an entry in ClinVar:

NC_000001.11:g.170532159C>A

Genes: GORAB (golgin, RAB6 interacting; plus strand), GORAB-AS1 (GORAB antisense RNA 1; minus strand). Cytogenetic location: 1q24.2.
Variant type: single nucleotide variant.
Genome position: GRCh38 VCF-style: chr1-170532159-C-A. GRCh37 (hg19) VCF-style: chr1-170501300-C-A.
Identifiers: ClinVar variation 1913509 (VCV001913509.2), dbSNP rs764476862, ClinGen allele CA1238967.

ClinVar aggregate classification (germline): Uncertain significance (1 of 4 stars; one submission).

Allele frequency attached by ClinVar (database versions not stated): ExAC 0.00002.

Submission:

Labcorp Genetics (formerly Invitae), Labcorp
Classification: Uncertain significance. Last evaluated: 2022-08-09. Review status: criteria provided, single submitter. Criteria: Invitae Variant Classification Sherloc (09022015). Collection method: clinical testing. Allele origin: germline.
Comment: This sequence change replaces alanine, which is neutral and non-polar, with glutamic acid, which is acidic and polar, at codon 4 of the GORAB protein (p.Ala4Glu). This variant is present in population databases (rs764476862, gnomAD 0.003%). This variant has not been reported in the literature in individuals affected with GORAB-related conditions. Algorithms developed to predict the effect of missense changes on protein structure and function output the following: SIFT: "Tolerated"; PolyPhen-2: "Benign"; Align-GVGD: "Class C0". The glutamic acid amino acid residue is found in multiple mammalian species, which suggests that this missense change does not adversely affect protein function. In summary, the available evidence is currently insufficient to determine the role of this variant in disease. Therefore, it has been classified as a Variant of Uncertain Significance.